The following is an entry in ClinVar:

NM_005051.3(QARS1):c.1426G>A (p.Val476Ile)

Gene: QARS1 (glutaminyl-tRNA synthetase 1; minus strand). Cytogenetic location: 3p21.31.
Variant type: single nucleotide variant.
Coding change: c.1426G>A on transcript NM_005051.3 (MANE Select); coding-DNA position 1426, G replaced by A.
Protein change: p.Val476Ile; replaces valine 476 with isoleucine.
Molecular consequence: missense variant. On other transcripts: non-coding transcript variant (1).
Genome position (GRCh38, 1-based): chr3:49,099,610, C>T on the plus strand (G>A on the coding strand, the complement: QARS1 is on the minus strand). VCF-style: chr3-49099610-C-T. GRCh37 (hg19) VCF-style: chr3-49137043-C-T.
Other names: c.1393G>A, p.Val465Ile (NM_001272073.2); short protein forms V476I, V465I.
Identifiers: ClinVar variation 380083 (VCV000380083.40), dbSNP rs144092780, ClinGen allele CA2391750.

ClinVar aggregate classification (germline): Conflicting classifications of pathogenicity. Review status: criteria provided, conflicting classifications (1 of 4 stars). 6 submissions from 6 submitters: Uncertain significance (2); Benign (1); Likely benign (2). 1 of the submissions does not count toward it. Last evaluated 2026-01-14.

Conditions:
QARS1-related disorder. Also called: QARS1-related condition.
Diffuse cerebral and cerebellar atrophy - intractable seizures - progressive microcephaly syndrome. Also called: Microcephaly, progressive, with seizures and cerebral and cerebellar atrophy. Identifiers: Orphanet 404437, MedGen C4014239, MONDO:0014335, OMIM 615760.

Allele frequency attached by ClinVar (database versions not stated): 1000 Genomes Project 0.00040; 1000 Genomes Project 30x 0.00047; TOPMed 0.00147; gnomAD 0.00162 and 0.00169; gnomAD exomes 0.00162 and 0.00214; ESP Exome Variant Server 0.00177; ExAC 0.00180.
gnomAD v4.1: 3,332 of 1,614,166 alleles (0.21%); highest among the groups gnomAD compares: Non-Finnish European, 0.24%; 7 homozygotes.

Submissions (6):

Labcorp Genetics (formerly Invitae), Labcorp
Classification: Benign for Diffuse cerebral and cerebellar atrophy - intractable seizures - progressive microcephaly syndrome. Last evaluated: 2026-01-14. Review status: criteria provided, single submitter. Criteria: Invitae Variant Classification Sherloc (09022015). Collection method: clinical testing. Allele origin: germline.

Blueprint Genetics
Classification: Uncertain significance. Last evaluated: 2024-11-24. Review status: criteria provided, single submitter. Criteria: ACMG Guidelines, 2015. Collection method: clinical testing. Allele origin: germline.

CeGaT Center for Human Genetics Tuebingen
Classification: Likely benign. Last evaluated: 2023-08-01. Review status: criteria provided, single submitter. Criteria: CeGaT Center For Human Genetics Tuebingen Variant Classification Criteria Version 2. Collection method: clinical testing. Allele origin: germline. Affected: yes. Observed: 3 variant alleles.
Comment: QARS1: BP4

Mayo Clinic Laboratories, Mayo Clinic
Classification: Uncertain significance. Last evaluated: 2023-02-15. Review status: criteria provided, single submitter. Criteria: ACMG Guidelines, 2015. Collection method: clinical testing. Allele origin: germline. Observed: 6 variant alleles.

GeneDx
Classification: Likely benign. Last evaluated: 2021-09-24. Review status: criteria provided, single submitter. Criteria: GeneDx Variant Classification Process June 2021. Collection method: clinical testing. Allele origin: germline. Affected: yes.
Comment: This variant is associated with the following publications: (PMID: 28620870, 27572814)

PreventionGenetics, part of Exact Sciences
Classification: Likely benign for QARS1-related condition. Last evaluated: 2019-11-13. Review status: no assertion criteria provided. Collection method: clinical testing. Allele origin: germline. Not counted in ClinVar's aggregate classification.
Comment: This variant is classified as likely benign based on ACMG/AMP sequence variant interpretation guidelines (Richards et al. 2015 PMID: 25741868, with internal and published modifications).

Literature cited by the submitters: PubMed 27572814 (cited by Mayo Clinic Laboratories, Mayo Clinic); PubMed 28620870 (cited by Mayo Clinic Laboratories, Mayo Clinic); PubMed 32042906 (cited by Mayo Clinic Laboratories, Mayo Clinic).